The following is an entry in ClinVar:

ClinVar aggregate classification (germline): Conflicting classifications of pathogenicity. Review status: criteria provided, conflicting classifications (1 of 4 stars). 8 submissions from 8 submitters: Uncertain significance (6); Likely benign (2). Last evaluated 2026-01-19.

Conditions:
BRCA2-related cancer predisposition. Identifiers: MedGen CN377758, MONDO:0700269.
Hereditary cancer-predisposing syndrome. Also called: Tumor predisposition; Hereditary Cancer Syndrome; Hereditary neoplastic syndrome; Neoplastic Syndromes, Hereditary. Identifiers: Orphanet 140162, MedGen C0027672, MeSH D009386, MONDO:0015356.
Hereditary breast ovarian cancer syndrome. Also called: Breast and ovarian cancer; Hereditary breast and ovarian cancer; Hereditary breast and/or ovarian cancer syndrome; BRCA1- and BRCA2-Associated Hereditary Breast and Ovarian Cancer; Hereditary breast and ovarian cancer syndrome (HBOC); Hereditary breast and ovarian cancer syndrome. Identifiers: Orphanet 145, MedGen C0677776, MeSH D061325, MONDO:0003582. Disease mechanism: loss of function.

Allele frequency attached by ClinVar (database versions not stated): ExAC 0.00001; gnomAD 0.00001; gnomAD exomes 0.00001; TOPMed 0.00001.
gnomAD v4.1: 6 of 1,612,622 alleles (0.00037%); highest among the groups gnomAD compares: Admixed American, 0.01%; no homozygotes.

Submissions (8):

Labcorp Genetics (formerly Invitae), Labcorp
Classification: Uncertain significance for Hereditary breast ovarian cancer syndrome. Last evaluated: 2026-01-19. Review status: criteria provided, single submitter. Criteria: Invitae Variant Classification Sherloc (09022015). Collection method: clinical testing. Allele origin: germline.
Comment: This sequence change replaces proline, which is neutral and non-polar, with leucine, which is neutral and non-polar, at codon 365 of the BRCA2 protein (p.Pro365Leu). The frequency data for this variant in the population databases is considered unreliable, as metrics indicate poor data quality at this position in the gnomAD database. This variant has not been reported in the literature in individuals affected with BRCA2-related conditions. This variant is also known as c.1322C>T. ClinVar contains an entry for this variant (Variation ID: 182270). Invitae Evidence Modeling of protein sequence and biophysical properties (such as structural, functional, and spatial information, amino acid conservation, physicochemical variation, residue mobility, and thermodynamic stability) indicates that this missense variant is not expected to disrupt BRCA2 protein function with a negative predictive value of 95%. In summary, the available evidence is currently insufficient to determine the role of this variant in disease. Therefore, it has been classified as a Variant of Uncertain Significance.

Quest Diagnostics Nichols Institute San Juan Capistrano
Classification: Uncertain significance. Last evaluated: 2025-09-17. Review status: criteria provided, single submitter. Criteria: Quest Diagnostics criteria. Collection method: clinical testing. Allele origin: unknown.
Comment: The BRCA2 c.1094C>T (p.Pro365Leu) variant has been reported in the published literature as a somatic variant in an individual with ovarian cancer (PMID: 32483276 (2020)). It has also been detected in an individual with a low risk of breast cancer (PMID: 38153744 (2023)). In addition, this variant has been reported to be located in a region of the BRCA2 gene that is tolerant to missense sequence changes (PMID: 31911673 (2020)). The frequency of this variant in the general population (Genome Aggregation Database) is uninformative in the assessment of its pathogenicity. Analysis of this variant using bioinformatics tools for the prediction of the effect of amino acid changes on protein structure and function yielded predictions that this variant is benign. Based on the available information, we are unable to determine the clinical significance of this variant.

Ambry Genetics
Classification: Likely benign for Hereditary cancer-predisposing syndrome. Last evaluated: 2025-06-06. Review status: criteria provided, single submitter. Criteria: Ambry Variant Classification Scheme 2023. Collection method: clinical testing. Allele origin: germline.

All of Us Research Program, National Institutes of Health
Classification: Uncertain significance for BRCA2-related cancer predisposition. Last evaluated: 2024-06-09. Review status: criteria provided, single submitter. Criteria: ACMG Guidelines, 2015. Collection method: clinical testing. Allele origin: germline. Inheritance: Autosomal dominant inheritance. Observed: 6 variant alleles, 6 heterozygotes.
Comment: This missense variant replaces proline with leucine at codon 365 of the BRCA2 protein. Computational prediction suggests that this variant may not impact protein structure and function (internally defined REVEL score threshold <= 0.5, PMID: 27666373). Splice site prediction tools suggest that this variant may not impact RNA splicing. To our knowledge, functional studies have not been performed for this variant. This variant has not been reported in individuals affected with hereditary cancer in the literature. This variant has not been identified in the general population by the Genome Aggregation Database (gnomAD). The available evidence is insufficient to determine the role of this variant in disease conclusively. Therefore, this variant is classified as a Variant of Uncertain Significance.

This study involves interpretation of variants in research participants for the purpose of population health screening. Participant phenotype was not available at the time of variant classification. Additional details can be found in publication PMID: 35346344, PMCID: PMC8962531

Color Diagnostics, LLC DBA Color Health
Classification: Uncertain significance for Hereditary cancer-predisposing syndrome. Last evaluated: 2024-05-02. Review status: criteria provided, single submitter. Criteria: ACMG Guidelines, 2015. Collection method: clinical testing. Allele origin: germline.
Comment: This missense variant replaces proline with leucine at codon 365 of the BRCA2 protein. Computational prediction suggests that this variant may not impact protein structure and function. To our knowledge, functional studies have not been reported for this variant. This variant has not been reported in individuals affected with BRCA2-related disorders in the literature. This variant has not been identified in the general population by the Genome Aggregation Database (gnomAD). The available evidence is insufficient to determine the role of this variant in disease conclusively. Therefore, this variant is classified as a Variant of Uncertain Significance.

University of Washington Department of Laboratory Medicine, University of Washington
Classification: Likely benign for Hereditary cancer-predisposing syndrome. Last evaluated: 2023-03-23. Review status: criteria provided, single submitter. Criteria: Dines et al. (Genet Med. 2020). Collection method: curation. Allele origin: germline.
Comment: Missense variant in a coldspot region where missense variants are very unlikely to be pathogenic (PMID:31911673).

BRCA2 exon 10 coldspot. Reclassification based on statistical prior probability.

Women's Health and Genetics/Laboratory Corporation of America, LabCorp
Classification: Uncertain significance. Last evaluated: 2020-01-14. Review status: criteria provided, single submitter. Criteria: LabCorp Variant Classification Summary - May 2015. Collection method: clinical testing. Allele origin: germline.
Comment: Variant summary: BRCA2 c.1094C>T (p.Pro365Leu) results in a non-conservative amino acid change in the encoded protein sequence. Three of five in-silico tools predict a benign effect of the variant on protein function. The variant allele was found at a frequency of 1.2e-05 in 248874 control chromosomes (gnomAD). The available data on variant occurrences in the general population are insufficient to allow any conclusion about variant significance. To our knowledge, no occurrence of c.1094C>T in individuals affected with Hereditary Breast and Ovarian Cancer and no experimental evidence demonstrating its impact on protein function have been reported. Four other clinical diagnostic laboratories have submitted clinical-significance assessments for this variant to ClinVar after 2014 without evidence for independent evaluation. All laboratories classified the variant as uncertain significance. Based on the evidence outlined above, the variant was classified as uncertain significance.

GeneDx
Classification: Uncertain significance. Last evaluated: 2018-11-20. Review status: criteria provided, single submitter. Criteria: GeneDx Variant Classification (06012015). Collection method: clinical testing. Allele origin: germline. Affected: yes.
Comment: This variant is denoted BRCA2 c.1094C>T at the cDNA level, p.Pro365Leu (P365L) at the protein level, and results in the change of a Proline to a Leucine (CCA>CTA). Using alternate nomenclature, this variant would be defined as BRCA2 1322C>T. This variant has not, to our knowledge, been published in the literature as a pathogenic or benign germline variant. BRCA2 Pro365Leu was not observed at a significant allele frequency in large population cohorts (Lek 2016). This variant is not located in a known functional domain. In silico analysis, which includes protein predictors and evolutionary conservation, supports that this variant does not alter protein structure/function. Based on currently available evidence, it is unclear whether BRCA2 Pro365Leu is a pathogenic or benign variant. We consider it to be a variant of uncertain significance.

Literature cited by the submitters: PubMed 32483276 (cited by Quest Diagnostics Nichols Institute San Juan Capistrano); PubMed 31911673 (cited by Quest Diagnostics Nichols Institute San Juan Capistrano); PubMed 30702160 (cited by Quest Diagnostics Nichols Institute San Juan Capistrano); PubMed 38153744 (cited by Quest Diagnostics Nichols Institute San Juan Capistrano).

NM_000059.4(BRCA2):c.1094C>T (p.Pro365Leu)

Gene: BRCA2 (BRCA2 DNA repair associated; plus strand). Cytogenetic location: 13q13.1.
Variant type: single nucleotide variant.
Coding change: c.1094C>T on transcript NM_000059.4 (MANE Select); coding-DNA position 1094, C replaced by T.
Protein change: p.Pro365Leu; replaces proline 365 with leucine.
Molecular consequence: missense variant.
Genome position (GRCh38, 1-based): chr13:32,332,572, C>T. VCF-style: chr13-32332572-C-T. GRCh37 (hg19) VCF-style: chr13-32906709-C-T.
Other names: p.P365L:CCA>CTA; short protein forms P365L.
Identifiers: ClinVar variation 182270 (VCV000182270.31), dbSNP rs730881578, ClinGen allele CA010784.